The following is an entry in ClinVar:

NM_001242896.3(DEPDC5):c.534C>T (p.Ser178=)

Gene: DEPDC5 (DEP domain containing 5, GATOR1 subcomplex subunit; plus strand). Cytogenetic location: 22q12.2.
Variant type: single nucleotide variant.
Coding change: c.534C>T on transcript NM_001242896.3 (MANE Select); coding-DNA position 534, C replaced by T.
Protein change: p.Ser178=; no amino-acid change (serine 178 retained).
Molecular consequence: synonymous variant. On other transcripts: non-coding transcript variant (5).
Genome position (GRCh38, 1-based): chr22:31,783,957, C>T. VCF-style: chr22-31783957-C-T. GRCh37 (hg19) VCF-style: chr22-32179943-C-T.
Other names: c.534C>T, p.Ser178= (NM_001007188.4, NM_001136029.4, NM_001242897.2 and 7 more transcripts); c.450C>T, p.Ser150= (NM_001369901.1, NM_001369902.1).
Identifiers: ClinVar variation 2854410 (VCV002854410.3), dbSNP rs746214342, ClinGen allele CA10196010.

ClinVar aggregate classification (germline): Uncertain significance (1 of 4 stars; one submission).

Conditions:
Familial focal epilepsy with variable foci (FPEVF). Identifiers: Orphanet 98820, MedGen C1858477, MONDO:0020310.

Allele frequency attached by ClinVar (database versions not stated): TOPMed below 0.00001; ExAC 0.00001; gnomAD 0.00001; gnomAD exomes below 0.00001.
gnomAD v4.1: 3 of 1,613,500 alleles (0.00019%); highest among the groups gnomAD compares: East Asian, 0.0067%; no homozygotes.

Submission:

Labcorp Genetics (formerly Invitae), Labcorp
Classification: Uncertain significance for Familial focal epilepsy with variable foci. Last evaluated: 2025-05-22. Review status: criteria provided, single submitter. Criteria: Invitae Variant Classification Sherloc (09022015). Collection method: clinical testing. Allele origin: germline.
Comment: This sequence change affects codon 178 of the DEPDC5 mRNA. It is a 'silent' change, meaning that it does not change the encoded amino acid sequence of the DEPDC5 protein. This variant is present in population databases (rs746214342, gnomAD 0.02%). This variant has not been reported in the literature in individuals affected with DEPDC5-related conditions. ClinVar contains an entry for this variant (Variation ID: 2854410). Algorithms developed to predict the effect of sequence changes on RNA splicing suggest that this variant may disrupt the consensus splice site. In summary, the available evidence is currently insufficient to determine the role of this variant in disease. Therefore, it has been classified as a Variant of Uncertain Significance.